The following is an entry in ClinVar:

NM_015021.3(ZNF292):c.1223TGT[1] (p.Leu409del)

Gene: ZNF292 (zinc finger protein 292; plus strand). Cytogenetic location: 6q14.3.
Variant type: Microsatellite.
Coding change: c.1223TGT[1] on transcript NM_015021.3 (MANE Select); one copy of the 3-base unit TGT starting at c.1223; the reference has two copies in a row; one copy, 3 bases deleted.
Protein change: p.Leu409del; deletes leucine 409.
Molecular consequence: inframe deletion.
Genome position (GRCh38, 1-based): chr6:87,254,855-87,254,857, TGT deleted; deleting any 3 consecutive bases within chr6:87,254,852-87,254,857 gives the same sequence; the position shown is the placement nearest the transcript's 3' end. VCF-style (leftmost placement, unchanged base first): chr6-87254851-ATGT-A. GRCh37 (hg19) VCF-style: chr6-87964569-ATGT-A.
Other names: c.803TGT[1], p.Leu269del (NM_001351444.2); short protein forms L269del, L409del.
Identifiers: ClinVar variation 3899586 (VCV003899586.1).
Genomic context (GRCh38, chr6:87,254,851, plus strand): 5'-GCTTGTCAACTGAGTGAATTTCTTATTGAGCCTACAGTAGATGCGTATTATGCTGTGGAA[ATGT>A]TGTATAATCAGCCAGACCAGAAATATGATGAAGAGAATCTTCCAATACCAAATTCTTTAC-3'

ClinVar aggregate classification (germline): Uncertain significance (1 of 4 stars; one submission).

Submission:

GeneDx
Classification: Uncertain significance. Last evaluated: 2024-11-11. Review status: criteria provided, single submitter. Criteria: GeneDx Variant Classification Process June 2021. Collection method: clinical testing. Allele origin: germline. Affected: yes.
Comment: Not observed at significant frequency in large population cohorts (gnomAD); In-frame deletion of 1 amino acid in a non-repeat region; In silico analysis supports a deleterious effect on protein structure/function; Has not been previously published as pathogenic or benign to our knowledge